The following is an entry in ClinVar:

ClinVar aggregate classification (germline): Uncertain significance (1 of 4 stars; one submission).

gnomAD v4.1: 1 of 1,611,964 alleles (0.000062%); highest among the groups gnomAD compares: African/African-American, 0.0013%; no homozygotes.

Submission:

GeneDx
Classification: Uncertain significance. Last evaluated: 2024-11-12. Review status: criteria provided, single submitter. Criteria: GeneDx Variant Classification Process June 2021. Collection method: clinical testing. Allele origin: germline. Affected: yes.
Comment: Not observed at significant frequency in large population cohorts (gnomAD); In silico analysis indicates that this missense variant does not alter protein structure/function; In silico analysis is inconclusive as to whether the variant alters gene splicing. In the absence of RNA/functional studies, the actual effect of this sequence change is unknown.; Has not been previously published as pathogenic or benign to our knowledge

NM_015295.3(SMCHD1):c.3410G>C (p.Ser1137Thr)

Gene: SMCHD1 (structural maintenance of chromosomes flexible hinge domain containing 1; plus strand). Cytogenetic location: 18p11.32.
Variant type: single nucleotide variant.
Coding change: c.3410G>C on transcript NM_015295.3 (MANE Select); coding-DNA position 3410, G replaced by C.
Protein change: p.Ser1137Thr; replaces serine 1137 with threonine.
Molecular consequence: missense variant.
Genome position (GRCh38, 1-based): chr18:2,738,530, G>C. VCF-style: chr18-2738530-G-C. GRCh37 (hg19) VCF-style: chr18-2738528-G-C.
Other names: short protein forms S1137T.
Identifiers: ClinVar variation 3899196 (VCV003899196.1).